The following is an entry in ClinVar:

NM_000238.4(KCNH2):c.1502A>G (p.Asp501Gly)

Gene: KCNH2 (potassium voltage-gated channel subfamily H member 2; minus strand). Cytogenetic location: 7q36.1.
Variant type: single nucleotide variant.
Coding change: c.1502A>G on transcript NM_000238.4 (MANE Select); coding-DNA position 1502, A replaced by G.
Protein change: p.Asp501Gly; replaces aspartic acid 501 with glycine.
Molecular consequence: missense variant.
Genome position (GRCh38, 1-based): chr7:150,952,480, T>C on the plus strand (A>G on the coding strand, the complement: KCNH2 is on the minus strand). VCF-style: chr7-150952480-T-C. GRCh37 (hg19) VCF-style: chr7-150649568-T-C.
Other names: p.D501G:GAC>GGC; c.1502A>G (LRG_288t1); c.482A>G, p.Asp161Gly (NM_172057.3, NM_001204798.2); c.1214A>G, p.Asp405Gly (NM_001406753.1, NM_001406756.1); c.1325A>G, p.Asp442Gly (NM_001406755.1); c.1202A>G, p.Asp401Gly (NM_001406757.1); c.1502A>G, p.Asp501Gly (NM_172056.3); short protein forms D161G, D501G, D442G, D401G, D405G.
Identifiers: ClinVar variation 67210 (VCV000067210.4), dbSNP rs199473513, ClinGen allele CA004741.

ClinVar aggregate classification (germline): Pathogenic. Review status: criteria provided, single submitter (1 of 4 stars). 2 submissions from 2 submitters: Pathogenic (1). 1 of the submissions does not count toward it. Last evaluated 2012-08-24.

Conditions:
Familial long QT syndrome (RWS). Also called: Congenital long QT syndrome; Romano-Ward syndrome; VENTRICULAR FIBRILLATION WITH PROLONGED QT INTERVAL. Identifiers: Orphanet 768, MedGen C1141890, MONDO:0019171.

Submissions (2):

GeneDx
Classification: Pathogenic. Last evaluated: 2012-08-24. Review status: criteria provided, single submitter. Criteria: GeneDx Variant Classification (06012015). Collection method: clinical testing. Allele origin: germline. Affected: yes.
Comment: p.Asp501Gly (GAC>GGC):c.1502 A>G in exon 6 of the KCNH2 gene (NM_000238.2)The Asp501Gly mutation in the KCNH2 gene has been reported previously in association with LQTS (Goldenberg I et al., 2011). In addition, the NHLBI ESP Exome Variant Server reports Asp501Gly was not observed in approximately 6,000 samples from individuals of European and African American backgrounds, indicating it is not a common benign variant in these populations. Asp501Gly results in a non-conservative amino acid substitution of a negatively charged Aspartic acid with a non-polar Glycine at a residue that is conserved across species. Different mutations at the same codon (Asp501His, Asp501Asn) as well as mutations in a nearby codon (Tyr493Cys, Tyr493Phe, Tyr493Ser) have also been reported in association with LQTS, further supporting the functional importance of this region of the protein.In summary, Asp501Gly in the KCNH2 gene is interpreted as a disease-causing mutation. The variant is found in LQT panel(s).

Cardiovascular Biomedical Research Unit, Royal Brompton & Harefield NHS Foundation Trust
No classification provided. Condition: Familial long QT syndrome. Review status: no classification provided. Collection method: literature only. Allele origin: germline. Not counted in ClinVar's aggregate classification.
Comment: This variant has been reported as associated with Long QT syndrome in the following publications (PMID:19926013). This is a literature report, and does not necessarily reflect the clinical interpretation of the Imperial College / Royal Brompton Cardiovascular Genetics laboratory.

Literature cited by the submitters: PubMed 19926013 (cited by Cardiovascular Biomedical Research Unit, Royal Brompton & Harefield NHS Foundation Trust); PubMed 22581653 (cited by Cardiovascular Biomedical Research Unit, Royal Brompton & Harefield NHS Foundation Trust).